The following is an entry in ClinVar:

NM_024675.4(PALB2):c.1246A>G (p.Met416Val)

Gene: PALB2 (partner and localizer of BRCA2; minus strand). Cytogenetic location: 16p12.2.
Variant type: single nucleotide variant.
Coding change: c.1246A>G on transcript NM_024675.4 (MANE Select); coding-DNA position 1246, A replaced by G.
Protein change: p.Met416Val; replaces methionine 416 with valine.
Molecular consequence: missense variant.
Genome position (GRCh38, 1-based): chr16:23,635,300, T>C on the plus strand (A>G on the coding strand, the complement: PALB2 is on the minus strand). VCF-style: chr16-23635300-T-C. GRCh37 (hg19) VCF-style: chr16-23646621-T-C.
Other names: short protein forms M416V.
Identifiers: ClinVar variation 830131 (VCV000830131.12), dbSNP rs1966982055, ClinGen allele CA395132918.

ClinVar aggregate classification (germline): Uncertain significance. Review status: criteria provided, multiple submitters, no conflicts (2 of 4 stars). 3 submissions from 3 submitters: Uncertain significance (2). 1 of the submissions does not count toward it. Last evaluated 2025-04-14.

Conditions:
Hereditary cancer-predisposing syndrome. Also called: Hereditary neoplastic syndrome; Neoplastic Syndromes, Hereditary; Tumor predisposition; Hereditary Cancer Syndrome. Identifiers: Orphanet 140162, MedGen C0027672, MeSH D009386, MONDO:0015356.
Familial cancer of breast. Also called: BREAST CANCER, FAMILIAL; Hereditary breast cancer; hereditary breast carcinoma. Identifiers: Orphanet 227535, MedGen C0346153, MONDO:0016419, OMIM 114480. Disease mechanism: loss of function.

Allele frequency attached by ClinVar (database versions not stated): gnomAD exomes below 0.00001; gnomAD 0.00001.
gnomAD v4.1: 2 of 1,614,046 alleles (0.00012%); highest among the groups gnomAD compares: Non-Finnish European, 0.00017%; no homozygotes.

Submissions (3):

Labcorp Genetics (formerly Invitae), Labcorp
Classification: Uncertain significance for Familial cancer of breast. Last evaluated: 2025-04-14. Review status: criteria provided, single submitter. Criteria: Invitae Variant Classification Sherloc (09022015). Collection method: clinical testing. Allele origin: germline.
Comment: This sequence change replaces methionine, which is neutral and non-polar, with valine, which is neutral and non-polar, at codon 416 of the PALB2 protein (p.Met416Val). This variant is not present in population databases (gnomAD no frequency). This variant has not been reported in the literature in individuals affected with PALB2-related conditions. ClinVar contains an entry for this variant (Variation ID: 830131). Invitae Evidence Modeling of protein sequence and biophysical properties (such as structural, functional, and spatial information, amino acid conservation, physicochemical variation, residue mobility, and thermodynamic stability) indicates that this missense variant is expected to disrupt PALB2 protein function with a positive predictive value of 80%. In summary, the available evidence is currently insufficient to determine the role of this variant in disease. Therefore, it has been classified as a Variant of Uncertain Significance.

Ambry Genetics
Classification: Uncertain significance for Hereditary cancer-predisposing syndrome. Last evaluated: 2024-12-30. Review status: criteria provided, single submitter. Criteria: Ambry Variant Classification Scheme 2023. Collection method: clinical testing. Allele origin: germline.
Comment: The p.M416V variant (also known as c.1246A>G), located in coding exon 4 of the PALB2 gene, results from an A to G substitution at nucleotide position 1246. The methionine at codon 416 is replaced by valine, an amino acid with highly similar properties. This amino acid position is highly conserved in available vertebrate species. In addition, the in silico prediction for this alteration is inconclusive. Based on the available evidence, the clinical significance of this variant remains unclear.

Leiden Open Variation Database
Classification: Uncertain significance. Last evaluated: 2018-08-25. Review status: no assertion criteria provided. Collection method: curation. Allele origin: germline. Affected: yes. Not counted in ClinVar's aggregate classification.
Comment: Curators: Marc Tischkowitz, Arleen D. Auerbach. Submitter to LOVD: Yukihide Momozawa.

Literature cited by the submitters: PubMed 30287823 (cited by Leiden Open Variation Database).